The following is an entry in ClinVar:

ClinVar aggregate classification (germline): Uncertain significance. Review status: criteria provided, multiple submitters, no conflicts (2 of 4 stars). 2 submissions from 2 submitters: Uncertain significance (2). Last evaluated 2025-07-15.

Conditions:
Inborn genetic diseases. Identifiers: MedGen C0950123, MeSH D030342.
Hyperekplexia 3 (HKPX3). Also called: HYPEREKPLEXIA 3, AUTOSOMAL RECESSIVE; HYPEREKPLEXIA 3, AUTOSOMAL DOMINANT. Identifiers: Orphanet 3197, MedGen C3553288, MONDO:0013827, OMIM 614618.

Allele frequency attached by ClinVar (database versions not stated): gnomAD 0.00001; TOPMed 0.00001; gnomAD exomes 0.00002 and 0.00004; ExAC 0.00003; ESP Exome Variant Server 0.00008.
gnomAD v4.1: 30 of 1,419,668 alleles (0.0021%); highest among the groups gnomAD compares: Non-Finnish European, 0.0024%; no homozygotes.

Submissions (2):

Ambry Genetics
Classification: Uncertain significance for Inborn genetic diseases. Last evaluated: 2025-07-15. Review status: criteria provided, single submitter. Criteria: Ambry Variant Classification Scheme 2023. Collection method: clinical testing. Allele origin: germline.

Labcorp Genetics (formerly Invitae), Labcorp
Classification: Uncertain significance for Hyperekplexia 3. Last evaluated: 2022-08-21. Review status: criteria provided, single submitter. Criteria: Invitae Variant Classification Sherloc (09022015). Collection method: clinical testing. Allele origin: germline.
Comment: This sequence change replaces methionine, which is neutral and non-polar, with valine, which is neutral and non-polar, at codon 616 of the SLC6A5 protein (p.Met616Val). This variant is present in population databases (rs142895058, gnomAD 0.006%). This variant has not been reported in the literature in individuals affected with SLC6A5-related conditions. ClinVar contains an entry for this variant (Variation ID: 854760). Advanced modeling of protein sequence and biophysical properties (such as structural, functional, and spatial information, amino acid conservation, physicochemical variation, residue mobility, and thermodynamic stability) performed at Invitae indicates that this missense variant is not expected to disrupt SLC6A5 protein function. Algorithms developed to predict the effect of sequence changes on RNA splicing suggest that this variant may create or strengthen a splice site. In summary, the available evidence is currently insufficient to determine the role of this variant in disease. Therefore, it has been classified as a Variant of Uncertain Significance.

NM_004211.5(SLC6A5):c.1846A>G (p.Met616Val)

Gene: SLC6A5 (solute carrier family 6 member 5; plus strand). Cytogenetic location: 11p15.1.
Variant type: single nucleotide variant.
Coding change: c.1846A>G on transcript NM_004211.5 (MANE Select); coding-DNA position 1846, A replaced by G.
Protein change: p.Met616Val; replaces methionine 616 with valine.
Molecular consequence: missense variant.
Genome position (GRCh38, 1-based): chr11:20,637,280, A>G. VCF-style: chr11-20637280-A-G. GRCh37 (hg19) VCF-style: chr11-20658826-A-G.
Other names: c.1144A>G, p.Met382Val (NM_001318369.2); short protein forms M616V, M382V.
Identifiers: ClinVar variation 854760 (VCV000854760.6), dbSNP rs142895058, ClinGen allele CA5921587.